The following is an entry in ClinVar:

ClinVar aggregate classification (germline): Uncertain significance (1 of 4 stars; one submission).

Conditions:
Familial cancer of breast. Also called: Hereditary breast cancer; hereditary breast carcinoma; BREAST CANCER, FAMILIAL. Identifiers: Orphanet 227535, MedGen C0346153, MONDO:0016419, OMIM 114480. Disease mechanism: loss of function.

Submission:

Labcorp Genetics (formerly Invitae), Labcorp
Classification: Uncertain significance for Familial cancer of breast. Last evaluated: 2020-03-09. Review status: criteria provided, single submitter. Criteria: Invitae Variant Classification Sherloc (09022015). Collection method: clinical testing. Allele origin: germline.
Comment: In summary, the available evidence is currently insufficient to determine the role of this variant in disease. Therefore, it has been classified as a Variant of Uncertain Significance. Algorithms developed to predict the effect of missense changes on protein structure and function (SIFT, PolyPhen-2, Align-GVGD) all suggest that this variant is likely to be tolerated, but these predictions have not been confirmed by published functional studies and their clinical significance is uncertain. This variant has not been reported in the literature in individuals with BARD1-related conditions. The frequency data for this variant in the population databases is considered unreliable, as metrics indicate insufficient coverage at this position in the ExAC database. This sequence change replaces glutamine with leucine at codon 6 of the BARD1 protein (p.Gln6Leu). The glutamine residue is weakly conserved and there is a moderate physicochemical difference between glutamine and leucine.

NM_000465.4(BARD1):c.17A>T (p.Gln6Leu)

Gene: BARD1 (BRCA1 associated RING domain 1; minus strand). Cytogenetic location: 2q35.
Variant type: single nucleotide variant.
Coding change: c.17A>T on transcript NM_000465.4 (MANE Select); coding-DNA position 17, A replaced by T.
Protein change: p.Gln6Leu; replaces glutamine 6 with leucine.
Molecular consequence: missense variant. On other transcripts: non-coding transcript variant (3).
Genome position (GRCh38, 1-based): chr2:214,809,553, T>A on the plus strand (A>T on the coding strand, the complement: BARD1 is on the minus strand). VCF-style: chr2-214809553-T-A. GRCh37 (hg19) VCF-style: chr2-215674277-T-A.
Other names: c.17A>T, p.Gln6Leu (NM_001282543.2, NM_001282545.2, NM_001282548.2 and 1 more transcripts); short protein forms Q6L.
Identifiers: ClinVar variation 1005081 (VCV001005081.9), dbSNP rs864622229, ClinGen allele CA350465453.